The following is an entry in ClinVar:

NM_004612.4(TGFBR1):c.957G>T (p.Glu319Asp)

Gene: TGFBR1 (transforming growth factor beta receptor 1; plus strand). Cytogenetic location: 9q22.33.
Variant type: single nucleotide variant.
Coding change: c.957G>T on transcript NM_004612.4 (MANE Select); coding-DNA position 957, G replaced by T.
Protein change: p.Glu319Asp; replaces glutamic acid 319 with aspartic acid.
Molecular consequence: missense variant.
Genome position (GRCh38, 1-based): chr9:99,142,687, G>T. VCF-style: chr9-99142687-G-T. GRCh37 (hg19) VCF-style: chr9-101904969-G-T.
Other names: c.726G>T, p.Glu242Asp (NM_001130916.3); c.969G>T, p.Glu323Asp (NM_001306210.2); short protein forms E242D, E319D, E323D.
Identifiers: ClinVar variation 1698260 (VCV001698260.28), dbSNP rs2118780957, ClinGen allele CA374230813.

ClinVar aggregate classification (germline): Uncertain significance. Review status: criteria provided, multiple submitters, no conflicts (2 of 4 stars). 4 submissions from 4 submitters: Uncertain significance (4). Last evaluated 2025-10-01.

Conditions:
Loeys-Dietz syndrome 1 (LDS1). Also called: AORTIC ANEURYSM, FAMILIAL THORACIC 5; FURLONG SYNDROME; TGFBR1-Related Loeys-Dietz Syndrome. Identifiers: Orphanet 60030, MedGen C4551955, MONDO:0012212, OMIM 609192.
Multiple self-healing squamous epithelioma (MSSE). Also called: MULTIPLE SELF-HEALING SQUAMOUS EPITHELIOMA, SUSCEPTIBILITY TO. Identifiers: Orphanet 65748, MedGen C0546476, MONDO:0007566, OMIM 132800.
Familial thoracic aortic aneurysm and aortic dissection (TAAD). Also called: Thoracic aortic aneurysms and dissections. Identifiers: Orphanet 91387, MedGen C4707243, MONDO:0019625.

Allele frequency attached by ClinVar (database versions not stated): gnomAD exomes below 0.00001.
gnomAD v4.1: 3 of 1,614,036 alleles (0.00019%); highest among the groups gnomAD compares: Non-Finnish European, 0.00025%; no homozygotes.

Submissions (4):

Ambry Genetics
Classification: Uncertain significance for Familial thoracic aortic aneurysm and aortic dissection. Last evaluated: 2025-10-01. Review status: criteria provided, single submitter. Criteria: Ambry Variant Classification Scheme 2023. Collection method: clinical testing. Allele origin: germline.
Comment: The p.E319D variant (also known as c.957G>T), located in coding exon 5 of the TGFBR1 gene, results from a G to T substitution at nucleotide position 957. The glutamic acid at codon 319 is replaced by aspartic acid, an amino acid with highly similar properties. This amino acid position is conserved. In addition, the in silico prediction for this alteration is inconclusive. Based on the available evidence, the clinical significance of this variant remains unclear.

GeneDx
Classification: Uncertain significance. Last evaluated: 2023-10-09. Review status: criteria provided, single submitter. Criteria: GeneDx Variant Classification Process June 2021. Collection method: clinical testing. Allele origin: germline.
Comment: Not observed at significant frequency in large population cohorts (gnomAD); In silico analysis supports that this missense variant does not alter protein structure/function; Has not been previously published as pathogenic or benign to our knowledge

CeGaT Center for Human Genetics Tuebingen
Classification: Uncertain significance. Last evaluated: 2022-07-01. Review status: criteria provided, single submitter. Criteria: CeGaT Center For Human Genetics Tuebingen Variant Classification Criteria Version 2. Collection method: clinical testing. Allele origin: germline. Affected: yes. Observed: 1 variant allele.
Comment: TGFBR1: PM2

Fulgent Genetics
Classification: Uncertain significance for Multiple self-healing squamous epithelioma; Loeys-Dietz syndrome 1. Last evaluated: 2021-08-04. Review status: criteria provided, single submitter. Criteria: ACMG Guidelines, 2015. Collection method: clinical testing. Allele origin: unknown.